The following is an entry in ClinVar:

ClinVar aggregate classification (germline): Uncertain significance (1 of 4 stars; one submission).

Conditions:
Familial adenomatous polyposis 1 (FAP1). Also called: POLYPOSIS, ADENOMATOUS INTESTINAL; FAMILIAL ADENOMATOUS POLYPOSIS 1, ATTENUATED. Identifiers: MedGen C2713442, MONDO:0021056, OMIM 175100. Disease mechanism: loss of function.

Submission:

Labcorp Genetics (formerly Invitae), Labcorp
Classification: Uncertain significance for Familial adenomatous polyposis 1. Last evaluated: 2022-12-16. Review status: criteria provided, single submitter. Criteria: Invitae Variant Classification Sherloc (09022015). Collection method: clinical testing. Allele origin: germline.
Comment: In summary, the available evidence is currently insufficient to determine the role of this variant in disease. Therefore, it has been classified as a Variant of Uncertain Significance. Advanced modeling of protein sequence and biophysical properties (such as structural, functional, and spatial information, amino acid conservation, physicochemical variation, residue mobility, and thermodynamic stability) performed at Invitae indicates that this missense variant is not expected to disrupt APC protein function. This variant has not been reported in the literature in individuals affected with APC-related conditions. This variant is not present in population databases (gnomAD no frequency). This sequence change replaces valine, which is neutral and non-polar, with aspartic acid, which is acidic and polar, at codon 1323 of the APC protein (p.Val1323Asp).

NM_000038.6(APC):c.3968T>A (p.Val1323Asp)

Gene: APC (APC regulator of Wnt signaling pathway; plus strand). Cytogenetic location: 5q22.2.
Variant type: single nucleotide variant.
Coding change: c.3968T>A on transcript NM_000038.6 (MANE Select); coding-DNA position 3968, T replaced by A.
Protein change: p.Val1323Asp; replaces valine 1323 with aspartic acid.
Molecular consequence: missense variant. On other transcripts: non-coding transcript variant (2).
Genome position (GRCh38, 1-based): chr5:112,839,562, T>A. VCF-style: chr5-112839562-T-A. GRCh37 (hg19) VCF-style: chr5-112175259-T-A.
Other names: c.3968T>A, p.Val1323Asp (NM_001127510.3, NM_001354895.2, NM_001407450.1); c.3914T>A, p.Val1305Asp (NM_001127511.3); c.4022T>A, p.Val1341Asp (NM_001354896.2, NM_001407447.1, NM_001407448.1 and 1 more transcripts); c.3998T>A, p.Val1333Asp (NM_001354897.2); c.3893T>A, p.Val1298Asp (NM_001354898.2); c.3884T>A, p.Val1295Asp (NM_001354899.2); c.3845T>A, p.Val1282Asp (NM_001354900.2); c.3791T>A, p.Val1264Asp (NM_001354901.2, NM_001407453.1); and 11 more; short protein forms V1040D, V1197D, V1232D, V1295D, V1305D, V1313D, V1341D, V1240D.
Identifiers: ClinVar variation 2821419 (VCV002821419.3), dbSNP rs2149903080, ClinGen allele CA16030036.
Genomic context (GRCh38, chr5:112,839,562, plus strand): 5'-AAATAGCAGAAATAAAAGAAAAGATTGGAACTAGGTCAGCTGAAGATCCTGTGAGCGAAG[T>A]TCCAGCAGTGTCACAGCACCCTAGAACCAAATCCAGCAGACTGCAGGGTTCTAGTTTATC-3'
Protein context (NP_000029.2, residues 1313-1333): TRSAEDPVSE[Val1323Asp]PAVSQHPRTK